The following is an entry in ClinVar:

NM_001085411.3(NADK2):c.77C>G (p.Pro26Arg)

Genes: NADK2 (NAD kinase 2, mitochondrial; minus strand), LOC129993801 (ATAC-STARR-seq lymphoblastoid silent region 15972; plus strand). Cytogenetic location: 5p13.2.
Variant type: single nucleotide variant.
Coding change: c.77C>G on transcript NM_001085411.3 (MANE Select); coding-DNA position 77, C replaced by G.
Protein change: p.Pro26Arg; replaces proline 26 with arginine.
Molecular consequence: missense variant. On other transcripts: intron variant (2).
Genome position (GRCh38, 1-based): chr5:36,241,722, G>C on the plus strand (C>G on the coding strand, the complement: NADK2 is on the minus strand). VCF-style: chr5-36241722-G-C. GRCh37 (hg19) VCF-style: chr5-36241824-G-C.
Other names: c.77C>G (NM_001085411.1); c.-190+374C>G (NM_153013.5, NM_001287341.2); short protein forms P26R.
Identifiers: ClinVar variation 2140971 (VCV002140971.5), dbSNP rs1246877651, ClinGen allele CA359448049.
Genomic context (GRCh38, chr5:36,241,722, plus strand): 5'-TGCCGCCGGCCGCCACCGTCACCGCCCAGCCGGGGCCGCGCGGCGGGGCCTCCCGCACCC[G>C]GTCCCCGCAGCGCCGCCGCCCGGCCGCCCGCCACGCGACAACAGCTGCCCAGCAAGAAGC-3'
Protein context (NP_001078880.1, residues 16-36): AGGRAAALRG[Pro26Arg]GAGGPAARPR

ClinVar aggregate classification (germline): Uncertain significance. Review status: criteria provided, multiple submitters, no conflicts (2 of 4 stars). 2 submissions from 2 submitters: Uncertain significance (2). Last evaluated 2025-02-24.

Conditions:
Inborn genetic diseases. Identifiers: MedGen C0950123, MeSH D030342.
Progressive encephalopathy with leukodystrophy due to DECR deficiency. Identifiers: Orphanet 431361, MedGen C1857252, MONDO:0014464, OMIM 616034.

Submissions (2):

Labcorp Genetics (formerly Invitae), Labcorp
Classification: Uncertain significance for Progressive encephalopathy with leukodystrophy due to DECR deficiency. Last evaluated: 2025-02-24. Review status: criteria provided, single submitter. Criteria: Invitae Variant Classification Sherloc (09022015). Collection method: clinical testing. Allele origin: germline.
Comment: This sequence change replaces proline, which is neutral and non-polar, with arginine, which is basic and polar, at codon 26 of the NADK2 protein (p.Pro26Arg). The frequency data for this variant in the population databases is considered unreliable, as metrics indicate insufficient coverage at this position in the gnomAD database. This variant has not been reported in the literature in individuals affected with NADK2-related conditions. ClinVar contains an entry for this variant (Variation ID: 2140971). An algorithm developed to predict the effect of missense changes on protein structure and function (PolyPhen-2) suggests that this variant is likely to be tolerated. In summary, the available evidence is currently insufficient to determine the role of this variant in disease. Therefore, it has been classified as a Variant of Uncertain Significance.

Ambry Genetics
Classification: Uncertain significance for Inborn genetic diseases. Last evaluated: 2025-02-07. Review status: criteria provided, single submitter. Criteria: Ambry Variant Classification Scheme 2023. Collection method: clinical testing. Allele origin: germline.